The following is an entry in ClinVar:

ClinVar aggregate classification (germline): Likely pathogenic (1 of 4 stars; one submission).

Conditions:
Generalized epilepsy with febrile seizures plus, type 2 (GEFSP2). Also called: GEFS+, TYPE 2. Identifiers: Orphanet 36387, MedGen C1858673, MONDO:0011461, OMIM 604403.

Submission:

3billion
Classification: Likely pathogenic for Generalized epilepsy with febrile seizures plus, type 2. Last evaluated: 2023-08-04. Review status: criteria provided, single submitter. Criteria: ACMG Guidelines, 2015. Collection method: clinical testing. Allele origin: germline. Affected: yes.
Comment: The variant is not observed in the gnomAD v2.1.1 dataset. Predicted Consequence/Location: Frameshift: predicted to result in a loss or disruption of normal protein function through nonsense-mediated decay (NMD) or protein truncation. Multiple pathogenic variants are reported downstream of the variant. Therefore, this variant is classified as Likely pathogenic according to the recommendation of ACMG/AMP guideline.

NM_001165963.4(SCN1A):c.114del (p.Lys38fs)

Gene: SCN1A (sodium voltage-gated channel alpha subunit 1; minus strand). Cytogenetic location: 2q24.3.
Variant type: Deletion.
Coding change: c.114del on transcript NM_001165963.4 (MANE Select); coding-DNA position 114, one base deleted (A; older notation c.114delA).
Protein change: p.Lys38fs; shifts the reading frame from lysine 38.
Molecular consequence: frameshift variant. On other transcripts: 5 prime UTR variant (1), non-coding transcript variant (1).
Genome position (GRCh38, 1-based): chr2:166,073,508, T deleted on the plus strand (A on the coding strand, the reverse complement: SCN1A is on the minus strand); the first of 3 consecutive T bases (chr2:166,073,508-166,073,510); deleting any one gives the same sequence. VCF-style (leftmost placement, unchanged base first): chr2-166073507-GT-G. GRCh37 (hg19) VCF-style: chr2-166930017-GT-G.
Other names: c.114del, p.Lys38fs (NM_001165964.3, NM_001202435.3, NM_001353948.2 and 10 more transcripts); c.-2312del (NM_001353961.2); short protein forms K38fs.
Identifiers: ClinVar variation 3775606 (VCV003775606.1).